The following is an entry in ClinVar:

ClinVar aggregate classification (germline): Uncertain significance (1 of 4 stars; one submission).

Conditions:
Short-rib thoracic dysplasia 6 with or without polydactyly (SRTD6). Also called: POLYDACTYLY WITH NEONATAL CHONDRODYSTROPHY, TYPE II; SHORT RIB-POLYDACTYLY SYNDROME, TYPE IIA; SHORT-RIB THORACIC DYSPLASIA 6 WITH POLYDACTYLY; SHORT-RIB THORACIC DYSPLASIA 6 WITHOUT POLYDACTYLY; Majewski Syndrome. Identifiers: MedGen C0024507, MONDO:0009894, OMIM 263520.

Submission:

Labcorp Genetics (formerly Invitae), Labcorp
Classification: Uncertain significance for Short-rib thoracic dysplasia 6 with or without polydactyly. Last evaluated: 2025-11-24. Review status: criteria provided, single submitter. Criteria: Invitae Variant Classification Sherloc (09022015). Collection method: clinical testing. Allele origin: germline.
Comment: This variant, c.2172_2174del, results in the deletion of 1 amino acid(s) of the NEK1 protein (p.Glu724del), but otherwise preserves the integrity of the reading frame. This variant is present in population databases (rs758160256, gnomAD 0.02%). This variant has not been reported in the literature in individuals affected with NEK1-related conditions. Experimental studies and prediction algorithms are not available or were not evaluated, and the functional significance of this variant is currently unknown. In summary, the available evidence is currently insufficient to determine the role of this variant in disease. Therefore, it has been classified as a Variant of Uncertain Significance.

NM_001199397.3(NEK1):c.2253AGA[1] (p.Glu752del)

Gene: NEK1 (NIMA related kinase 1; minus strand). Cytogenetic location: 4q33.
Variant type: Microsatellite.
Coding change: c.2253AGA[1] on transcript NM_001199397.3 (MANE Select); one copy of the 3-base unit AGA starting at c.2253; the reference has two copies in a row; one copy, 3 bases deleted.
Protein change: p.Glu752del; deletes glutamic acid 752.
Molecular consequence: inframe deletion. On other transcripts: non-coding transcript variant (1).
Genome position (GRCh38, 1-based): chr4:169,477,300-169,477,302, TCT deleted on the plus strand (AGA on the coding strand, the reverse complement: NEK1 is on the minus strand); deleting any 3 consecutive bases within chr4:169,477,300-169,477,306 gives the same sequence; the position shown is the placement nearest the transcript's 3' end. VCF-style (leftmost placement, unchanged base first): chr4-169477299-ATCT-A. GRCh37 (hg19) VCF-style: chr4-170398450-ATCT-A.
Other names: c.2037AGA[1], p.Glu680del (NM_001199400.3, NM_001440623.1); c.2253AGA[1], p.Glu752del (NM_001374418.1, NM_001440620.1); c.2169AGA[1], p.Glu724del (NM_001374419.1, NM_001440621.1, NM_012224.4); c.2118AGA[1], p.Glu707del (NM_001374420.1); c.1947AGA[1], p.Glu650del (NM_001374421.1); c.2121AGA[1], p.Glu708del (NM_001440622.1, NM_001199398.3); c.1548AGA[1], p.Glu517del (NM_001440624.1); c.1416AGA[1], p.Glu473del (NM_001440625.1); and 1 more; short protein forms E473del, E680del, E708del, E752del, E724del, E655del, E707del, E517del.
Identifiers: ClinVar variation 4748037 (VCV004748037.1).
Genomic context (GRCh38, chr4:169,477,299, plus strand): 5'-TTTGGCATCTTCATGAACATTTATCTCAAAAGTATCAGAGAGATTCTGCTTTCCTTTTTC[ATCT>A]TCTTGAGCTTTAAGATTTTCATTTAATCTACGAAGTATTTCTCGCTTACTCTGAAAGTCA-3'